The following is an entry in ClinVar:

NM_020638.3(FGF23):c.42_44delinsGAA (p.Cys14_Ser15delinsTrpAsn)

Gene: FGF23 (fibroblast growth factor 23; minus strand). Cytogenetic location: 12p13.32.
Variant type: Indel.
Coding change: c.42_44delinsGAA on transcript NM_020638.3 (MANE Select); coding-DNA positions 42 to 44, CAG replaced by GAA.
Protein change: p.Cys14_Ser15delinsTrpAsn.
Molecular consequence: missense variant.
Genome position (GRCh38, 1-based): chr12:4,379,539-4,379,541, CTG replaced by TTC on the plus strand (CAG replaced by GAA on the coding strand, the reverse complement: FGF23 is on the minus strand). VCF-style: chr12-4379539-CTG-TTC. GRCh37 (hg19) VCF-style: chr12-4488705-CTG-TTC.
Identifiers: ClinVar variation 4975666 (VCV004975666.1).
Genomic context (GRCh38, chr12:4,379,539, plus strand): 5'-CTGGAGCCGAGCAGTGGGGAGGCATTGGGATAGGCTCTGAGGACGCTCATGCTGCAGACG[CTG>TTC]CACAAGGCACAGACCCAGAGCCTGAGGCGGGCCCCCAACATCGTGCCCTGCTCTGAGTGG-3'

ClinVar aggregate classification (germline): Uncertain significance (1 of 4 stars; one submission).

Submission:

GeneDx
Classification: Uncertain significance. Last evaluated: 2026-01-25. Review status: criteria provided, single submitter. Criteria: GeneDx Variant Classification Process June 2021. Collection method: clinical testing. Allele origin: germline.
Comment: Not observed at significant frequency in large population cohorts (gnomAD); In silico analysis suggests that this variant does not alter protein structure/function; Has not been previously published as pathogenic or benign to our knowledge